The following is an entry in ClinVar:

ClinVar aggregate classification (germline): Pathogenic (1 of 4 stars; one submission).

Conditions:
Chromosome 2q32-q33 deletion syndrome (GLASS). Also called: 2q33.1 deletion syndrome; Glass syndrome. Identifiers: Orphanet 251019, MedGen C2676739, MONDO:0012864, OMIM 612313.

Submission:

Juno Genomics, Hangzhou Juno Genomics, Inc
Classification: Pathogenic for Chromosome 2q32-q33 deletion syndrome. Review status: criteria provided, single submitter. Criteria: ACMG Guidelines, 2015. Collection method: clinical testing. Allele origin: germline. Affected: yes.
Comment: Absent from controls (or at extremely low frequency if recessive) in Genome Aggregation Database, Exome Sequencing Project, 1000 Genomes Project, or Exome Aggregation Consortium.;Null variant in a gene where loss of function (LOF) is a known mechanism of disease.;Patient's phenotype or family history is highly specific for a disease with a single genetic etiology.

NM_001172509.2(SATB2):c.54_55insCTCC (p.Gly19fs)

Gene: SATB2 (SATB homeobox 2; minus strand). Cytogenetic location: 2q33.1.
Variant type: Insertion.
Coding change: c.54_55insCTCC on transcript NM_001172509.2 (MANE Select); coding-DNA positions 54 to 55, CTCC inserted.
Protein change: p.Gly19fs; shifts the reading frame from glycine 19.
Molecular consequence: frameshift variant. On other transcripts: non-coding transcript variant (1).
Genome position: GRCh38 VCF-style: chr2-199455983-C-CGGAG. GRCh37 (hg19) VCF-style: chr2-200320706-C-CGGAG.
Other names: c.54_55insCTCC, p.Gly19fs (NM_001172517.1, NM_015265.4); short protein forms G19fs.
Identifiers: ClinVar variation 3382829 (VCV003382829.2).